The following is an entry in ClinVar:

NM_032043.3(BRIP1):c.1937T>C (p.Val646Ala)

Gene: BRIP1 (BRCA1 interacting DNA helicase 1; minus strand). Cytogenetic location: 17q23.2.
Variant type: single nucleotide variant.
Coding change: c.1937T>C on transcript NM_032043.3 (MANE Select); coding-DNA position 1937, T replaced by C.
Protein change: p.Val646Ala; replaces valine 646 with alanine.
Molecular consequence: missense variant.
Genome position (GRCh38, 1-based): chr17:61,776,561, A>G on the plus strand (T>C on the coding strand, the complement: BRIP1 is on the minus strand). VCF-style: chr17-61776561-A-G. GRCh37 (hg19) VCF-style: chr17-59853922-A-G.
Other names: short protein forms V646A.
Identifiers: ClinVar variation 1782988 (VCV001782988.2), dbSNP rs2145034507, ClinGen allele CA400478650.

ClinVar aggregate classification (germline): Uncertain significance (1 of 4 stars; one submission).

Conditions:
Hereditary cancer-predisposing syndrome. Also called: Neoplastic Syndromes, Hereditary; Tumor predisposition; Hereditary Cancer Syndrome; Hereditary neoplastic syndrome. Identifiers: Orphanet 140162, MedGen C0027672, MeSH D009386, MONDO:0015356.

Submission:

Ambry Genetics
Classification: Uncertain significance for Hereditary cancer-predisposing syndrome. Last evaluated: 2022-02-16. Review status: criteria provided, single submitter. Criteria: Ambry Variant Classification Scheme 2023. Collection method: clinical testing. Allele origin: germline.
Comment: The p.V646A variant (also known as c.1937T>C), located in coding exon 13 of the BRIP1 gene, results from a T to C substitution at nucleotide position 1937. The valine at codon 646 is replaced by alanine, an amino acid with similar properties. This amino acid position is conserved. In addition, the in silico prediction for this alteration is inconclusive. Since supporting evidence is limited at this time, the clinical significance of this alteration remains unclear.